The following is an entry in ClinVar:

ClinVar aggregate classification (germline): Likely pathogenic (1 of 4 stars; one submission).

Conditions:
Non-compaction cardiomyopathy. Identifiers: MedGen C4324548, MONDO:0005418.

Submission:

Clinical Genetics Laboratory, Region Ostergotland
Classification: Likely pathogenic for Non compaction cardiomyopathy. Last evaluated: 2025-06-12. Review status: criteria provided, single submitter. Criteria: ACMG Guidelines, 2015. Collection method: clinical testing. Allele origin: germline. Affected: yes.
Comment: The following ACMG/AMP criteria were applied in classifying this variant: PVS1, PM2

NM_004415.4(DSP):c.3954del (p.Thr1319fs)

Gene: DSP (desmoplakin; plus strand). Cytogenetic location: 6p24.3.
Variant type: Deletion.
Coding change: c.3954del on transcript NM_004415.4 (MANE Select); coding-DNA position 3954, one base deleted (G; older notation c.3954delG).
Protein change: p.Thr1319fs; shifts the reading frame from threonine 1319.
Molecular consequence: frameshift variant. On other transcripts: intron variant (1).
Genome position (GRCh38, 1-based): chr6:7,580,144, G deleted. VCF-style (leftmost placement, unchanged base first): chr6-7580143-AG-A. GRCh37 (hg19) VCF-style: chr6-7580376-AG-A.
Other names: c.3954del, p.Thr1319fs (NM_001319034.2); c.3582+372del (NM_001008844.3); short protein forms T1319fs.
Identifiers: ClinVar variation 4077156 (VCV004077156.2).